The following is an entry in ClinVar:

ClinVar aggregate classification (germline): Uncertain significance. Review status: criteria provided, multiple submitters, no conflicts (2 of 4 stars). 2 submissions from 2 submitters: Uncertain significance (2). Last evaluated 2022-12-19.

Conditions:
MED23-related disorder. Also called: MED23-related condition.

Allele frequency attached by ClinVar (database versions not stated): TOPMed below 0.00001; gnomAD 0.00001; gnomAD exomes 0.00001.
gnomAD v4.1: 8 of 1,613,358 alleles (0.0005%); highest among the groups gnomAD compares: Non-Finnish European, 0.00068%; no homozygotes.

Submissions (2):

Blueprint Genetics
Classification: Uncertain significance. Last evaluated: 2022-12-19. Review status: criteria provided, single submitter. Criteria: ACMG Guidelines, 2015. Collection method: clinical testing. Allele origin: germline.

PreventionGenetics, part of Exact Sciences
Classification: Uncertain significance for MED23-related condition. Last evaluated: 2022-11-16. Review status: criteria provided, single submitter. Criteria: ACMG Guidelines, 2015. Collection method: clinical testing. Allele origin: germline.
Comment: The MED23 c.1511C>T variant is predicted to result in the amino acid substitution p.Thr504Ile. To our knowledge, this variant has not been reported in the literature. This variant is reported in 0.0023% of alleles in individuals of European (Non-Finnish) descent in gnomAD. At this time, the clinical significance of this variant is uncertain due to the absence of conclusive functional and genetic evidence.

NM_004830.4(MED23):c.1493C>T (p.Thr498Ile)

Gene: MED23 (mediator complex subunit 23; minus strand). Cytogenetic location: 6q23.2.
Variant type: single nucleotide variant.
Coding change: c.1493C>T on transcript NM_004830.4 (MANE Select); coding-DNA position 1493, C replaced by T.
Protein change: p.Thr498Ile; replaces threonine 498 with isoleucine.
Molecular consequence: missense variant.
Genome position (GRCh38, 1-based): chr6:131,605,360, G>A on the plus strand (C>T on the coding strand, the complement: MED23 is on the minus strand). VCF-style: chr6-131605360-G-A. GRCh37 (hg19) VCF-style: chr6-131926500-G-A.
Other names: c.1493C>T, p.Thr498Ile (NM_001270521.2, NM_001270522.2, NM_001376519.1 and 3 more transcripts); c.1511C>T, p.Thr504Ile (NM_001376517.1, NM_015979.4); c.1439C>T, p.Thr480Ile (NM_001376518.1); c.1352C>T, p.Thr451Ile (NM_001376520.1); c.1238C>T, p.Thr413Ile (NM_001376523.1); short protein forms T413I, T451I, T480I, T498I, T504I.
Identifiers: ClinVar variation 2635161 (VCV002635161.2), dbSNP rs1480286524, ClinGen allele CA365674067.